The following is an entry in ClinVar:

ClinVar aggregate classification (germline): Uncertain significance (1 of 4 stars; one submission).

Allele frequency attached by ClinVar (database versions not stated): ExAC 0.00002; gnomAD exomes 0.00003; gnomAD 0.00006.
gnomAD v4.1: 265 of 1,613,978 alleles (0.016%); highest among the groups gnomAD compares: Non-Finnish European, 0.022%; no homozygotes.

Submission:

Labcorp Genetics (formerly Invitae), Labcorp
Classification: Uncertain significance. Last evaluated: 2022-08-16. Review status: criteria provided, single submitter. Criteria: Invitae Variant Classification Sherloc (09022015). Collection method: clinical testing. Allele origin: germline.
Comment: This sequence change replaces serine, which is neutral and polar, with threonine, which is neutral and polar, at codon 170 of the ADAMTS10 protein (p.Ser170Thr). This variant is present in population databases (rs782682218, gnomAD 0.006%). This variant has not been reported in the literature in individuals affected with ADAMTS10-related conditions. ClinVar contains an entry for this variant (Variation ID: 1447282). Algorithms developed to predict the effect of missense changes on protein structure and function are either unavailable or do not agree on the potential impact of this missense change (SIFT: "Deleterious"; PolyPhen-2: "Benign"; Align-GVGD: "Class C0"). In summary, the available evidence is currently insufficient to determine the role of this variant in disease. Therefore, it has been classified as a Variant of Uncertain Significance.

NM_030957.4(ADAMTS10):c.509G>C (p.Ser170Thr)

Gene: ADAMTS10 (ADAM metallopeptidase with thrombospondin type 1 motif 10; minus strand). Cytogenetic location: 19p13.2.
Variant type: single nucleotide variant.
Coding change: c.509G>C on transcript NM_030957.4 (MANE Select); coding-DNA position 509, G replaced by C.
Protein change: p.Ser170Thr; replaces serine 170 with threonine.
Molecular consequence: missense variant.
Genome position (GRCh38, 1-based): chr19:8,603,811, C>G on the plus strand (G>C on the coding strand, the complement: ADAMTS10 is on the minus strand). VCF-style: chr19-8603811-C-G. GRCh37 (hg19) VCF-style: chr19-8668695-C-G.
Other names: short protein forms S170T.
Identifiers: ClinVar variation 1447282 (VCV001447282.3), dbSNP rs782682218, ClinGen allele CA9160812.